The following is an entry in ClinVar:

NM_001666.5(ARHGAP4):c.2244C>T (p.Val748=)

Gene: ARHGAP4 (Rho GTPase activating protein 4; minus strand). Cytogenetic location: Xq28.
Variant type: single nucleotide variant.
Coding change: c.2244C>T on transcript NM_001666.5 (MANE Select); coding-DNA position 2244, C replaced by T.
Protein change: p.Val748=; no amino-acid change (valine 748 retained).
Molecular consequence: synonymous variant.
Genome position (GRCh38, 1-based): chrX:153,909,911, G>A on the plus strand (C>T on the coding strand, the complement: ARHGAP4 is on the minus strand). VCF-style: chrX-153909911-G-A. GRCh37 (hg19) VCF-style: chrX-153175365-G-A.
Other names: c.2364C>T, p.Val788= (NM_001164741.2).
Identifiers: ClinVar variation 2661752 (VCV002661752.24), dbSNP rs373068528, ClinGen allele CA10555400.

ClinVar aggregate classification (germline): Likely benign (1 of 4 stars; one submission).

Allele frequency attached by ClinVar (database versions not stated): TOPMed 0.00005; ESP Exome Variant Server 0.00010; gnomAD 0.00010; gnomAD exomes 0.00017; ExAC 0.00027.
gnomAD v4.1: 198 of 1,204,633 alleles (0.016%); highest among the groups gnomAD compares: Middle Eastern, 0.47%; 1 homozygote.

Submission:

CeGaT Center for Human Genetics Tuebingen
Classification: Likely benign. Last evaluated: 2023-04-01. Review status: criteria provided, single submitter. Criteria: CeGaT Center For Human Genetics Tuebingen Variant Classification Criteria Version 2. Collection method: clinical testing. Allele origin: germline. Affected: yes. Observed: 1 variant allele.
Comment: ARHGAP4: BP4, BP7, BS2